The following is an entry in ClinVar:

ClinVar aggregate classification (germline): Conflicting classifications of pathogenicity. Review status: criteria provided, conflicting classifications (1 of 4 stars). 4 submissions from 4 submitters: Uncertain significance (3); Likely benign (1). Last evaluated 2025-09-01.

Allele frequency attached by ClinVar (database versions not stated): gnomAD exomes 0.00002; gnomAD 0.00003; TOPMed 0.00003; ExAC 0.00005.
gnomAD v4.1: 42 of 1,614,068 alleles (0.0026%); highest among the groups gnomAD compares: Middle Eastern, 0.13%; no homozygotes.

Submissions (4):

CeGaT Center for Human Genetics Tuebingen
Classification: Uncertain significance. Last evaluated: 2025-09-01. Review status: criteria provided, single submitter. Criteria: CeGaT Center For Human Genetics Tuebingen Variant Classification Criteria Version 2. Collection method: clinical testing. Allele origin: germline. Affected: yes. Observed: 1 variant allele.
Comment: OCA2: PM2, PM3:Supporting, BP4

Women's Health and Genetics/Laboratory Corporation of America, LabCorp
Classification: Uncertain significance. Last evaluated: 2025-02-09. Review status: criteria provided, single submitter. Criteria: LabCorp Variant Classification Summary - May 2015. Collection method: clinical testing. Allele origin: germline.

Blueprint Genetics
Classification: Likely benign. Last evaluated: 2024-11-11. Review status: criteria provided, single submitter. Criteria: ACMG Guidelines, 2015. Collection method: clinical testing. Allele origin: germline.

Labcorp Genetics (formerly Invitae), Labcorp
Classification: Uncertain significance. Last evaluated: 2022-07-02. Review status: criteria provided, single submitter. Criteria: Invitae Variant Classification Sherloc (09022015). Collection method: clinical testing. Allele origin: germline.
Comment: This sequence change falls in intron 5 of the OCA2 gene. It does not directly change the encoded amino acid sequence of the OCA2 protein. It affects a nucleotide within the consensus splice site. This variant is present in population databases (rs751829678, gnomAD 0.005%). This variant has not been reported in the literature in individuals affected with OCA2-related conditions. ClinVar contains an entry for this variant (Variation ID: 1407287). Variants that disrupt the consensus splice site are a relatively common cause of aberrant splicing (PMID: 17576681, 9536098). Algorithms developed to predict the effect of sequence changes on RNA splicing suggest that this variant is not likely to affect RNA splicing. In summary, the available evidence is currently insufficient to determine the role of this variant in disease. Therefore, it has been classified as a Variant of Uncertain Significance.

Literature cited by the submitters: PubMed 17576681 (cited by Labcorp Genetics (formerly Invitae), Labcorp); PubMed 9536098 (cited by Labcorp Genetics (formerly Invitae), Labcorp).

NM_000275.3(OCA2):c.573+3G>A

Gene: OCA2 (OCA2 melanosomal transmembrane protein; minus strand). Cytogenetic location: 15q13.1.
Variant type: single nucleotide variant.
Coding change: c.573+3G>A on transcript NM_000275.3 (MANE Select); 3 bases into the intron after coding-DNA position 573, G replaced by A.
Molecular consequence: intron variant.
Genome position (GRCh38, 1-based): chr15:28,024,842, C>T on the plus strand (G>A on the coding strand, the complement: OCA2 is on the minus strand). VCF-style: chr15-28024842-C-T. GRCh37 (hg19) VCF-style: chr15-28269988-C-T.
Other names: c.573+3G>A (NM_001300984.2).
Identifiers: ClinVar variation 1407287 (VCV001407287.12), dbSNP rs751829678, ClinGen allele CA7439443.